The following is an entry in ClinVar:

NM_001370298.3(FGD4):c.2288A>T (p.Glu763Val)

Gene: FGD4 (FYVE, RhoGEF and PH domain containing 4; plus strand). Cytogenetic location: 12p11.21.
Variant type: single nucleotide variant.
Coding change: c.2288A>T on transcript NM_001370298.3 (MANE Select); coding-DNA position 2288, A replaced by T.
Protein change: p.Glu763Val; replaces glutamic acid 763 with valine.
Molecular consequence: missense variant.
Genome position (GRCh38, 1-based): chr12:32,633,664, A>T. VCF-style: chr12-32633664-A-T. GRCh37 (hg19) VCF-style: chr12-32786598-A-T.
Other names: c.2132A>T, p.Glu711Val (NM_001304481.2); c.1133A>T, p.Glu378Val (NM_001304483.2); c.845A>T, p.Glu282Val (NM_001304484.2); c.1598A>T, p.Glu533Val (NM_001330373.2, NM_001330374.2, NM_001384130.1); c.1325A>T, p.Glu442Val (NM_001370297.1); c.2288A>T, p.Glu763Val (NM_001384126.1); c.1877A>T, p.Glu626Val (NM_001384127.1, NM_001384128.1, NM_001385118.1 and 1 more transcripts); short protein forms E711V, E626V, E533V, E378V, E442V, E282V, E763V.
Identifiers: ClinVar variation 543333 (VCV000543333.8), dbSNP rs1484964809, ClinGen allele CA384370566.

ClinVar aggregate classification (germline): Uncertain significance (1 of 4 stars; one submission).

Conditions:
Charcot-Marie-Tooth disease type 4. Also called: Charcot-Marie-Tooth, Type 4; Charcot-Marie-Tooth disease, type IV. Identifiers: Orphanet 64749, MedGen C4082197, MONDO:0018995.

Allele frequency attached by ClinVar (database versions not stated): gnomAD exomes below 0.00001.
gnomAD v4.1: 2 of 1,595,416 alleles (0.00013%); highest among the groups gnomAD compares: Non-Finnish European, 0.00017%; no homozygotes.

Submission:

Labcorp Genetics (formerly Invitae), Labcorp
Classification: Uncertain significance for Charcot-Marie-Tooth disease type 4. Last evaluated: 2017-09-29. Review status: criteria provided, single submitter. Criteria: Invitae Variant Classification Sherloc (09022015). Collection method: clinical testing. Allele origin: germline.
Comment: In summary, the available evidence is currently insufficient to determine the role of this variant in disease. Therefore, it has been classified as a Variant of Uncertain Significance. Algorithms developed to predict the effect of sequence changes on RNA splicing suggest that this variant may create or strengthen a splice site, but this prediction has not been confirmed by published transcriptional studies. Algorithms developed to predict the effect of missense changes on protein structure and function do not agree on the potential impact of this missense change (SIFT: "Deleterious"; PolyPhen-2: "Benign"; Align-GVGD: "Class C65"). This variant has not been reported in the literature in individuals with FGD4-related disease. This variant is not present in population databases (ExAC no frequency). This sequence change replaces glutamic acid with valine at codon 626 of the FGD4 protein (p.Glu626Val). The glutamic acid residue is highly conserved and there is a moderate physicochemical difference between glutamic acid and valine.